The following is an entry in ClinVar:

ClinVar aggregate classification (germline): Uncertain significance (1 of 4 stars; one submission).

Conditions:
Acrocallosal syndrome (ACLS). Also called: HALLUX DUPLICATION, POSTAXIAL POLYDACTYLY, AND ABSENCE OF CORPUS CALLOSUM; Schinzel syndrome 1; Absence of corpus callosum with unusual facial appearance, mental deficiency, duplication of the halluces and polydactyly. Identifiers: Orphanet 36, MedGen C0796147, MONDO:0008708, OMIM 200990.

Allele frequency attached by ClinVar (database versions not stated): 1000 Genomes Project 30x 0.00016.
gnomAD v4.1: 82 of 1,613,232 alleles (0.0051%); highest among the groups gnomAD compares: Admixed American, 0.013%; no homozygotes.

Submission:

Labcorp Genetics (formerly Invitae), Labcorp
Classification: Uncertain significance for Acrocallosal syndrome. Last evaluated: 2024-02-24. Review status: criteria provided, single submitter. Criteria: Invitae Variant Classification Sherloc (09022015). Collection method: clinical testing. Allele origin: germline.
Comment: This sequence change replaces tryptophan, which is neutral and slightly polar, with serine, which is neutral and polar, at codon 545 of the KIF7 protein (p.Trp545Ser). This variant is present in population databases (rs750567055, gnomAD 0.02%). This variant has not been reported in the literature in individuals affected with KIF7-related conditions. ClinVar contains an entry for this variant (Variation ID: 1442413). Advanced modeling of protein sequence and biophysical properties (such as structural, functional, and spatial information, amino acid conservation, physicochemical variation, residue mobility, and thermodynamic stability) performed at Invitae indicates that this missense variant is not expected to disrupt KIF7 protein function with a negative predictive value of 80%. In summary, the available evidence is currently insufficient to determine the role of this variant in disease. Therefore, it has been classified as a Variant of Uncertain Significance.

NM_198525.3(KIF7):c.1634G>C (p.Trp545Ser)

Gene: KIF7 (kinesin family member 7; minus strand). Cytogenetic location: 15q26.1.
Variant type: single nucleotide variant.
Coding change: c.1634G>C on transcript NM_198525.3 (MANE Select); coding-DNA position 1634, G replaced by C.
Protein change: p.Trp545Ser; replaces tryptophan 545 with serine.
Molecular consequence: missense variant.
Genome position (GRCh38, 1-based): chr15:89,646,984, C>G on the plus strand (G>C on the coding strand, the complement: KIF7 is on the minus strand). VCF-style: chr15-89646984-C-G. GRCh37 (hg19) VCF-style: chr15-90190215-C-G.
Other names: short protein forms W545S.
Identifiers: ClinVar variation 1442413 (VCV001442413.7), dbSNP rs750567055, ClinGen allele CA7728503.